The following is an entry in ClinVar:

ClinVar aggregate classification (germline): Uncertain significance. Review status: criteria provided, multiple submitters, no conflicts (2 of 4 stars). 2 submissions from 2 submitters: Uncertain significance (2). Last evaluated 2024-04-23.

Conditions:
Gastrointestinal stromal tumor. Also called: Gastrointestinal stromal tumor, somatic; Gastrointestinal stroma tumor. Identifiers: Orphanet 44890, MedGen C0238198, MeSH D046152, MONDO:0011719, OMIM 606764, HP:0100723.
Pheochromocytoma. Also called: MAX-Related Hereditary Paraganglioma-Pheochromocytoma Syndrome. Identifiers: Orphanet 29072, MedGen C0031511, MONDO:0008233, OMIM 171300, HP:0002666.
Pheochromocytoma/paraganglioma syndrome 4. Also called: Paragangliomas 4; PARAGANGLIOMA, FAMILIAL MALIGNANT; PARAGANGLIOMAS, HEREDITARY EXTRAADRENAL; PHEOCHROMOCYTOMA, FAMILIAL EXTRAADRENAL; SDHB-Related Hereditary Paraganglioma-Pheochromocytoma Syndrome; CAROTID BODY TUMORS AND MULTIPLE EXTRAADRENAL PHEOCHROMOCYTOMAS. Identifiers: Orphanet 29072, MedGen C1861848, MONDO:0007273, OMIM 115310.
Hereditary cancer-predisposing syndrome. Also called: Tumor predisposition; Neoplastic Syndromes, Hereditary; Hereditary Cancer Syndrome; Hereditary neoplastic syndrome. Identifiers: Orphanet 140162, MedGen C0027672, MeSH D009386, MONDO:0015356.

gnomAD v4.1: 1 of 1,613,230 alleles (0.000062%); highest among the groups gnomAD compares: Non-Finnish European, 0.000085%; no homozygotes.

Submissions (2):

Ambry Genetics
Classification: Uncertain significance for Hereditary cancer-predisposing syndrome. Last evaluated: 2024-04-23. Review status: criteria provided, single submitter. Criteria: Ambry Variant Classification Scheme 2023. Collection method: clinical testing. Allele origin: germline.
Comment: The p.R90G variant (also known as c.268C>G), located in coding exon 3 of the SDHB gene, results from a C to G substitution at nucleotide position 268. The arginine at codon 90 is replaced by glycine, an amino acid with dissimilar properties. This amino acid position is highly conserved in available vertebrate species. In addition, this alteration is predicted to be deleterious by in silico analysis. Based on the available evidence, the clinical significance of this variant remains unclear.

Labcorp Genetics (formerly Invitae), Labcorp
Classification: Uncertain significance for Gastrointestinal stromal tumor; Pheochromocytoma/paraganglioma syndrome 4; Pheochromocytoma. Last evaluated: 2019-05-05. Review status: criteria provided, single submitter. Criteria: Invitae Variant Classification Sherloc (09022015). Collection method: clinical testing. Allele origin: germline.
Comment: In summary, the available evidence is currently insufficient to determine the role of this variant in disease. Therefore, it has been classified as a Variant of Uncertain Significance. Algorithms developed to predict the effect of missense changes on protein structure and function (SIFT, PolyPhen-2, Align-GVGD) all suggest that this variant is likely to be disruptive, but these predictions have not been confirmed by published functional studies and their clinical significance is uncertain. This variant has not been reported in the literature in individuals with SDHB-related conditions. ClinVar contains an entry for this variant (Variation ID: 185809). This variant is not present in population databases (ExAC no frequency). This sequence change replaces arginine with glycine at codon 90 of the SDHB protein (p.Arg90Gly). The arginine residue is highly conserved and there is a moderate physicochemical difference between arginine and glycine.

NM_003000.3(SDHB):c.268C>G (p.Arg90Gly)

Gene: SDHB (succinate dehydrogenase complex iron sulfur subunit B; minus strand). Cytogenetic location: 1p36.13.
Variant type: single nucleotide variant.
Coding change: c.268C>G on transcript NM_003000.3 (MANE Select); coding-DNA position 268, C replaced by G.
Protein change: p.Arg90Gly; replaces arginine 90 with glycine.
Molecular consequence: missense variant.
Genome position (GRCh38, 1-based): chr1:17,033,078, G>C on the plus strand (C>G on the coding strand, the complement: SDHB is on the minus strand). VCF-style: chr1-17033078-G-C. GRCh37 (hg19) VCF-style: chr1-17359573-G-C.
Other names: short protein forms R90G.
Identifiers: ClinVar variation 185809 (VCV000185809.13), dbSNP rs74315366, ClinGen allele CA015636.